The following is an entry in ClinVar:

NM_005956.4(MTHFD1):c.988C>G (p.Pro330Ala)

Gene: MTHFD1 (methylenetetrahydrofolate dehydrogenase, cyclohydrolase and formyltetrahydrofolate synthetase 1; plus strand). Cytogenetic location: 14q23.3.
Variant type: single nucleotide variant.
Coding change: c.988C>G on transcript NM_005956.4 (MANE Select); coding-DNA position 988, C replaced by G.
Protein change: p.Pro330Ala; replaces proline 330 with alanine.
Molecular consequence: missense variant.
Genome position (GRCh38, 1-based): chr14:64,426,053, C>G. VCF-style: chr14-64426053-C-G. GRCh37 (hg19) VCF-style: chr14-64892771-C-G.
Other names: c.988C>G, p.Pro330Ala (NM_001364837.1); short protein forms P330A.
Identifiers: ClinVar variation 2989878 (VCV002989878.4), dbSNP rs376379853, ClinGen allele CA7226096.

ClinVar aggregate classification (germline): Uncertain significance. Review status: criteria provided, multiple submitters, no conflicts (2 of 4 stars). 2 submissions from 2 submitters: Uncertain significance (2). Last evaluated 2023-03-17.

Allele frequency attached by ClinVar (database versions not stated): gnomAD 0.00001; ExAC 0.00002; TOPMed 0.00004; ESP Exome Variant Server 0.00008.
gnomAD v4.1: 5 of 1,613,554 alleles (0.00031%); highest among the groups gnomAD compares: African/African-American, 0.0053%; no homozygotes.

Submissions (2):

Blueprint Genetics
Classification: Uncertain significance. Last evaluated: 2023-03-17. Review status: criteria provided, single submitter. Criteria: ACMG Guidelines, 2015. Collection method: clinical testing. Allele origin: germline.

Labcorp Genetics (formerly Invitae), Labcorp
Classification: Uncertain significance. Last evaluated: 2022-11-08. Review status: criteria provided, single submitter. Criteria: Invitae Variant Classification Sherloc (09022015). Collection method: clinical testing. Allele origin: germline.
Comment: Algorithms developed to predict the effect of sequence changes on RNA splicing suggest that this variant may create or strengthen a splice site. In summary, the available evidence is currently insufficient to determine the role of this variant in disease. Therefore, it has been classified as a Variant of Uncertain Significance. Advanced modeling of protein sequence and biophysical properties (such as structural, functional, and spatial information, amino acid conservation, physicochemical variation, residue mobility, and thermodynamic stability) performed at Invitae indicates that this missense variant is not expected to disrupt MTHFD1 protein function. This variant has not been reported in the literature in individuals affected with MTHFD1-related conditions. This variant is present in population databases (rs376379853, gnomAD 0.007%). This sequence change replaces proline, which is neutral and non-polar, with alanine, which is neutral and non-polar, at codon 330 of the MTHFD1 protein (p.Pro330Ala).